The following is an entry in ClinVar:

NM_005670.4(EPM2A):c.718G>A (p.Gly240Ser)

Gene: EPM2A (EPM2A glucan phosphatase, laforin; minus strand). Cytogenetic location: 6q24.3.
Variant type: single nucleotide variant.
Coding change: c.718G>A on transcript NM_005670.4 (MANE Select); coding-DNA position 718, G replaced by A.
Protein change: p.Gly240Ser; replaces glycine 240 with serine.
Molecular consequence: missense variant. On other transcripts: intron variant (1).
Genome position (GRCh38, 1-based): chr6:145,635,245, C>T on the plus strand (G>A on the coding strand, the complement: EPM2A is on the minus strand). VCF-style: chr6-145635245-C-T. GRCh37 (hg19) VCF-style: chr6-145956381-C-T.
Other names: NR_153398.2:n.292-7552G>A; c.718G>A, p.Gly240Ser (NM_001018041.2, NM_001368130.1); c.304G>A, p.Gly102Ser (NM_001360064.2, NM_001360071.2, NM_001368131.1); c.256G>A, p.Gly86Ser (NM_001368129.2, NM_001368132.1); c.477-7552G>A (NM_001360057.2); short protein forms G102S, G240S, G86S.
Identifiers: ClinVar variation 3776814 (VCV003776814.1).

ClinVar aggregate classification (germline): Uncertain significance (1 of 4 stars; one submission).

Conditions:
Lafora disease. Also called: Epilepsy progressive myoclonic 2. Identifiers: Orphanet 501, MedGen C0751783, MONDO:0009697.

gnomAD v4.1: 8 of 1,614,124 alleles (0.0005%); highest among the groups gnomAD compares: Non-Finnish European, 0.00068%; no homozygotes.

Submission:

Broad Center for Mendelian Genomics, Broad Institute of MIT and Harvard
Classification: Uncertain significance for Lafora disease. Last evaluated: 2025-01-06. Review status: criteria provided, single submitter. Criteria: ACMG Guidelines, 2015. Collection method: curation. Allele origin: germline. Inheritance: Autosomal recessive inheritance.
Comment: The p.Gly240Ser variant in EMP2A has been reported, in the compound heterozygous state, in 1 individual with Lafora disease (PMID: 11175283), and has been identified in 0.0007% (8/1111980) of European (non-Finnish) chromosomes by the Genome Aggregation Database (gnomAD). Although this variant has been seen in the general population in a heterozygous state, its frequency is low enough to be consistent with a recessive carrier frequency. In vitro functional studies provide some evidence on the effect of the p.Gly240Ser variant (PMID:14532330, 34755096, 25544560). However, these types of assays may not accurately represent biological function. Computational prediction tools and conservation analyses suggest that this variant may impact the protein, though this information is not predictive enough to determine pathogenicity. In summary, the clinical significance of the p.Gly240Ser variant is uncertain. ACMG/AMP Criteria applied: PP3, PS3_supporting, PM2_supporting (Richards 2015).

Literature cited by the submitters: PubMed 25544560; PubMed 14532330; PubMed 34755096.